The following is an entry in ClinVar:

ClinVar aggregate classification (germline): Uncertain significance. Review status: criteria provided, multiple submitters, no conflicts (2 of 4 stars). 2 submissions from 2 submitters: Uncertain significance (2). Last evaluated 2025-04-16.

Conditions:
MYH3-related disorder. Also called: MYH3-related condition; MYH3-Related Disorders. Identifiers: MedGen CN239329.

Allele frequency attached by ClinVar (database versions not stated): gnomAD 0.00001; TOPMed 0.00001; gnomAD exomes below 0.00001.
gnomAD v4.1: 7 of 1,613,886 alleles (0.00043%); highest among the groups gnomAD compares: Admixed American, 0.0017%; no homozygotes.

Submissions (2):

Labcorp Genetics (formerly Invitae), Labcorp
Classification: Uncertain significance. Last evaluated: 2025-04-16. Review status: criteria provided, single submitter. Criteria: Invitae Variant Classification Sherloc (09022015). Collection method: clinical testing. Allele origin: germline.
Comment: This sequence change replaces arginine, which is basic and polar, with glutamine, which is neutral and polar, at codon 144 of the MYH3 protein (p.Arg144Gln). This variant is not present in population databases (gnomAD no frequency). This variant has not been reported in the literature in individuals affected with MYH3-related conditions. ClinVar contains an entry for this variant (Variation ID: 2175720). Invitae Evidence Modeling of protein sequence and biophysical properties (such as structural, functional, and spatial information, amino acid conservation, physicochemical variation, residue mobility, and thermodynamic stability) has been performed for this missense variant. However, the output from this modeling did not meet the statistical confidence thresholds required to predict the impact of this variant on MYH3 protein function. In summary, the available evidence is currently insufficient to determine the role of this variant in disease. Therefore, it has been classified as a Variant of Uncertain Significance.

PreventionGenetics, part of Exact Sciences
Classification: Uncertain significance for MYH3-related condition. Last evaluated: 2023-09-01. Review status: criteria provided, single submitter. Criteria: ACMG Guidelines, 2015. Collection method: clinical testing. Allele origin: germline.
Comment: The MYH3 c.431G>A variant is predicted to result in the amino acid substitution p.Arg144Gln. To our knowledge, this variant has not been reported in the literature or in a large population database, indicating this variant is rare. At this time, the clinical significance of this variant is uncertain due to the absence of conclusive functional and genetic evidence.

NM_002470.4(MYH3):c.431G>A (p.Arg144Gln)

Gene: MYH3 (myosin heavy chain 3; minus strand). Cytogenetic location: 17p13.1.
Variant type: single nucleotide variant.
Coding change: c.431G>A on transcript NM_002470.4 (MANE Select); coding-DNA position 431, G replaced by A.
Protein change: p.Arg144Gln; replaces arginine 144 with glutamine.
Molecular consequence: missense variant.
Genome position (GRCh38, 1-based): chr17:10,651,586, C>T on the plus strand (G>A on the coding strand, the complement: MYH3 is on the minus strand). VCF-style: chr17-10651586-C-T. GRCh37 (hg19) VCF-style: chr17-10554903-C-T.
Other names: c.431G>A (NM_002470.3); short protein forms R144Q.
Identifiers: ClinVar variation 2175720 (VCV002175720.5), dbSNP rs1396728749, ClinGen allele CA398114903.